The following is an entry in ClinVar:

NM_031885.5(BBS2):c.2006T>G (p.Leu669Trp)

Gene: BBS2 (Bardet-Biedl syndrome 2; minus strand). Cytogenetic location: 16q13.
Variant type: single nucleotide variant.
Coding change: c.2006T>G on transcript NM_031885.5 (MANE Select); coding-DNA position 2006, T replaced by G.
Protein change: p.Leu669Trp; replaces leucine 669 with tryptophan.
Molecular consequence: missense variant. On other transcripts: non-coding transcript variant (5).
Genome position (GRCh38, 1-based): chr16:56,485,643, A>C on the plus strand (T>G on the coding strand, the complement: BBS2 is on the minus strand). VCF-style: chr16-56485643-A-C. GRCh37 (hg19) VCF-style: chr16-56519555-A-C.
Other names: c.2006T>G, p.Leu669Trp (NM_001377456.1); short protein forms L669W.
Identifiers: ClinVar variation 1359185 (VCV001359185.8), dbSNP rs2144095498, ClinGen allele CA395973173.

ClinVar aggregate classification (germline): Uncertain significance (1 of 4 stars; one submission).

Conditions:
Bardet-Biedl syndrome (BBS). Identifiers: Orphanet 110, MedGen C0752166, MONDO:0015229.

Allele frequency attached by ClinVar (database versions not stated): gnomAD exomes below 0.00001.
gnomAD v4.1: 1 of 1,614,196 alleles (0.000062%); highest among the groups gnomAD compares: Non-Finnish European, 0.000085%; no homozygotes.

Submission:

Labcorp Genetics (formerly Invitae), Labcorp
Classification: Uncertain significance for Bardet-Biedl syndrome. Last evaluated: 2025-09-08. Review status: criteria provided, single submitter. Criteria: Invitae Variant Classification Sherloc (09022015). Collection method: clinical testing. Allele origin: germline.
Comment: This sequence change replaces leucine, which is neutral and non-polar, with tryptophan, which is neutral and slightly polar, at codon 669 of the BBS2 protein (p.Leu669Trp). This variant is not present in population databases (gnomAD no frequency). This variant has not been reported in the literature in individuals affected with BBS2-related conditions. ClinVar contains an entry for this variant (Variation ID: 1359185). Invitae Evidence Modeling of protein sequence and biophysical properties (such as structural, functional, and spatial information, amino acid conservation, physicochemical variation, residue mobility, and thermodynamic stability) indicates that this missense variant is expected to disrupt BBS2 protein function with a positive predictive value of 80%. In summary, the available evidence is currently insufficient to determine the role of this variant in disease. Therefore, it has been classified as a Variant of Uncertain Significance.